The following is an entry in ClinVar:

ClinVar aggregate classification (germline): Likely benign (1 of 4 stars; one submission).

Allele frequency attached by ClinVar (database versions not stated): ExAC 0.00003; gnomAD 0.00003; TOPMed 0.00005; ESP Exome Variant Server 0.00008.
gnomAD v4.1: 84 of 1,614,002 alleles (0.0052%); highest among the groups gnomAD compares: Middle Eastern, 0.033%; no homozygotes.

Submission:

CeGaT Center for Human Genetics Tuebingen
Classification: Likely benign. Last evaluated: 2022-10-01. Review status: criteria provided, single submitter. Criteria: CeGaT Center For Human Genetics Tuebingen Variant Classification Criteria Version 2. Collection method: clinical testing. Allele origin: germline. Affected: yes. Observed: 1 variant allele.
Comment: KAT5: BP4, BP7

NM_182710.3(KAT5):c.708T>C (p.Ser236=)

Gene: KAT5 (lysine acetyltransferase 5; plus strand). Cytogenetic location: 11q13.1.
Variant type: single nucleotide variant.
Coding change: c.708T>C on transcript NM_182710.3 (MANE Select); coding-DNA position 708, T replaced by C.
Protein change: p.Ser236=; no amino-acid change (serine 236 retained).
Molecular consequence: synonymous variant.
Genome position (GRCh38, 1-based): chr11:65,714,512, T>C. VCF-style: chr11-65714512-T-C. GRCh37 (hg19) VCF-style: chr11-65481983-T-C.
Other names: c.552T>C, p.Ser184= (NM_001206833.2); c.609T>C, p.Ser203= (NM_006388.4); c.453T>C, p.Ser151= (NM_182709.3).
Identifiers: ClinVar variation 2641969 (VCV002641969.24), dbSNP rs368421147, ClinGen allele CA6107343.